The following is an entry in ClinVar:

ClinVar aggregate classification (germline): Uncertain significance (1 of 4 stars; one submission).

Conditions:
Hereditary cancer-predisposing syndrome. Also called: Neoplastic Syndromes, Hereditary; Tumor predisposition; Hereditary neoplastic syndrome; Hereditary Cancer Syndrome. Identifiers: Orphanet 140162, MedGen C0027672, MeSH D009386, MONDO:0015356.

Submission:

Ambry Genetics
Classification: Uncertain significance for Hereditary cancer-predisposing syndrome. Last evaluated: 2024-05-18. Review status: criteria provided, single submitter. Criteria: Ambry Variant Classification Scheme 2023. Collection method: clinical testing. Allele origin: germline.
Comment: The p.E19D variant (also known as c.57A>T), located in coding exon 2 of the XRCC2 gene, results from an A to T substitution at nucleotide position 57. The glutamic acid at codon 19 is replaced by aspartic acid, an amino acid with highly similar properties. This amino acid position is conserved. In addition, this alteration is predicted to be tolerated by in silico analysis. Based on the available evidence, the clinical significance of this variant remains unclear.

NM_005431.2(XRCC2):c.57A>T (p.Glu19Asp)

Gene: XRCC2 (X-ray repair cross complementing 2; minus strand). Cytogenetic location: 7q36.1.
Variant type: single nucleotide variant.
Coding change: c.57A>T on transcript NM_005431.2 (MANE Select); coding-DNA position 57, A replaced by T.
Protein change: p.Glu19Asp; replaces glutamic acid 19 with aspartic acid.
Molecular consequence: missense variant.
Genome position (GRCh38, 1-based): chr7:152,660,765, T>A on the plus strand (A>T on the coding strand, the complement: XRCC2 is on the minus strand). VCF-style: chr7-152660765-T-A. GRCh37 (hg19) VCF-style: chr7-152357850-T-A.
Other names: short protein forms E19D.
Identifiers: ClinVar variation 3333544 (VCV003333544.1).